The following is an entry in ClinVar:

ClinVar aggregate classification (germline): Conflicting classifications of pathogenicity. Review status: criteria provided, conflicting classifications (1 of 4 stars). 2 submissions from 2 submitters: Uncertain significance (1); Likely benign (1). Last evaluated 2025-02-27.

Conditions:
Hereditary cancer. Identifiers: MedGen C1333600.

Allele frequency attached by ClinVar (database versions not stated): TOPMed 0.00001.
gnomAD v4.1: 13 of 1,522,458 alleles (0.00085%); highest among the groups gnomAD compares: Admixed American, 0.0044%; 1 homozygote.

Submissions (2):

Mendelics
Classification: Likely benign for Hereditary cancer. Last evaluated: 2025-02-27. Review status: criteria provided, single submitter. Criteria: ACMG Guidelines, 2015. Collection method: clinical testing. Allele origin: unknown.
Comment: This variant is considered likely benign or benign based on one or more of the following: it is predicted to be benign by multiple in silico algorithms, and/or has population frequency not consistent with disease, and/or has normal protein function, and/or has lack of segregation with disease, and/or has been detected in co-occurrence with known pathogenic variant, and/or has lack of disease association in case-control studies, and/or is located in a region inconsistent with a known cause of pathogenicity.

Ambry Genetics
Classification: Uncertain significance. Last evaluated: 2025-01-04. Review status: criteria provided, single submitter. Criteria: Ambry Variant Classification Scheme 2023. Collection method: clinical testing. Allele origin: germline.

NM_016507.4(CDK12):c.4340C>G (p.Thr1447Ser)

Gene: CDK12 (cyclin dependent kinase 12; plus strand). Cytogenetic location: 17q12.
Variant type: single nucleotide variant.
Coding change: c.4340C>G on transcript NM_016507.4 (MANE Select); coding-DNA position 4340, C replaced by G.
Protein change: p.Thr1447Ser; replaces threonine 1447 with serine.
Molecular consequence: missense variant.
Genome position (GRCh38, 1-based): chr17:39,531,183, C>G. VCF-style: chr17-39531183-C-G. GRCh37 (hg19) VCF-style: chr17-37687436-C-G.
Other names: c.4313C>G, p.Thr1438Ser (NM_015083.4); c.4340C>G (NM_016507.2); short protein forms T1438S, T1447S.
Identifiers: ClinVar variation 1686553 (VCV001686553.4), dbSNP rs767287779, ClinGen allele CA290403211.